The following is an entry in ClinVar:

ClinVar aggregate classification (germline): Uncertain significance. Review status: criteria provided, multiple submitters, no conflicts (2 of 4 stars). 4 submissions from 4 submitters: Uncertain significance (4). Last evaluated 2026-04-30.

Conditions:
Neuromuscular disease caused by qualitative or quantitative defects of dysferlin. Also called: Qualitative or quantitative defects of dysferlin; Dysferlinopathy. Identifiers: Orphanet 207073, MedGen C2931687, MONDO:0016145.

Allele frequency attached by ClinVar (database versions not stated): gnomAD 0.00001; gnomAD exomes 0.00001 and 0.00002; ExAC 0.00002.
gnomAD v4.1: 18 of 1,613,972 alleles (0.0011%); highest among the groups gnomAD compares: South Asian, 0.0066%; no homozygotes.

Submissions (4):

Women's Health and Genetics/Laboratory Corporation of America, LabCorp
Classification: Uncertain significance. Last evaluated: 2026-04-30. Review status: criteria provided, single submitter. Criteria: LabCorp Variant Classification Summary - May 2015. Collection method: clinical testing. Allele origin: germline.
Comment: Variant summary: DYSF c.6059G>A (p.Arg2020His) results in a non-conservative amino acid change in the encoded protein sequence. Algorithms developed to predict the effect of missense changes on protein structure and function all suggest that this variant is likely to be disruptive. Consensus agreement among computation tools predict no significant impact on normal splicing. However, these predictions have yet to be confirmed by functional studies. The variant allele was found at a frequency of 1.6e-05 in 251478 control chromosomes (gnomAD). The available data on variant occurrences in the general population are insufficient to allow any conclusion about variant significance. c.6059G>A has been observed in individuals undergoing testing for neuromuscular disease (Topf_2020). This report does not provide unequivocal conclusions about association of the variant with Autosomal recessive limb-girdle muscular dystrophy type 2B. To our knowledge, no experimental evidence demonstrating an impact on protein function has been reported. ClinVar contains an entry for this variant (Variation ID: 1492966). Based on the evidence outlined above, the variant was classified as uncertain significance.

Blueprint Genetics
Classification: Uncertain significance. Last evaluated: 2024-11-08. Review status: criteria provided, single submitter. Criteria: ACMG Guidelines, 2015. Collection method: clinical testing. Allele origin: germline.

Revvity Omics, Revvity
Classification: Uncertain significance. Last evaluated: 2024-10-10. Review status: criteria provided, single submitter. Criteria: ACMG Guidelines, 2015. Collection method: clinical testing. Allele origin: germline.

Labcorp Genetics (formerly Invitae), Labcorp
Classification: Uncertain significance for Neuromuscular disease caused by qualitative or quantitative defects of dysferlin. Last evaluated: 2022-06-10. Review status: criteria provided, single submitter. Criteria: Invitae Variant Classification Sherloc (09022015). Collection method: clinical testing. Allele origin: germline.
Comment: This sequence change replaces arginine, which is basic and polar, with histidine, which is basic and polar, at codon 2020 of the DYSF protein (p.Arg2020His). This variant is present in population databases (rs763205852, gnomAD 0.01%). This missense change has been observed in individual(s) with clinical features of DYSF-related conditions (PMID: 32528171). This variant is also known as c.6176G>A, p.R2059H. Algorithms developed to predict the effect of missense changes on protein structure and function are either unavailable or do not agree on the potential impact of this missense change (SIFT: "Deleterious"; PolyPhen-2: "Probably Damaging"; Align-GVGD: "Class C0"). In summary, the available evidence is currently insufficient to determine the role of this variant in disease. Therefore, it has been classified as a Variant of Uncertain Significance.

Literature cited by the submitters: PubMed 32528171 (cited by Women's Health and Genetics/Laboratory Corporation of America, LabCorp and Labcorp Genetics (formerly Invitae), Labcorp).

NM_001130987.2(DYSF):c.6176G>A (p.Arg2059His)

Gene: DYSF (dysferlin; plus strand). Cytogenetic location: 2p13.2.
Variant type: single nucleotide variant.
Coding change: c.6176G>A on transcript NM_001130987.2 (MANE Select); coding-DNA position 6176, G replaced by A.
Protein change: p.Arg2059His; replaces arginine 2059 with histidine.
Molecular consequence: missense variant.
Genome position (GRCh38, 1-based): chr2:71,682,532, G>A. VCF-style: chr2-71682532-G-A. GRCh37 (hg19) VCF-style: chr2-71909662-G-A.
Other names: c.6062G>A, p.Arg2021His (NM_001130455.2); c.6017G>A, p.Arg2006His (NM_001130976.2); c.6080G>A, p.Arg2027His (NM_001130977.2); c.6122G>A, p.Arg2041His (NM_001130978.2); c.6152G>A, p.Arg2051His (NM_001130979.2); c.6110G>A, p.Arg2037His (NM_001130980.2); c.6173G>A, p.Arg2058His (NM_001130981.2); c.6155G>A, p.Arg2052His (NM_001130982.2); and 5 more; short protein forms R2027H, R2051H, R2058H, R2006H, R2038H, R2059H, R2042H, R2052H.
Identifiers: ClinVar variation 1492966 (VCV001492966.6), dbSNP rs763205852, ClinGen allele CA1707639.